The following is an entry in ClinVar:

NM_006392.4(NOP56):c.361A>G (p.Ile121Val)

Gene: NOP56 (NOP56 ribonucleoprotein; plus strand). Cytogenetic location: 20p13.
Variant type: single nucleotide variant.
Coding change: c.361A>G on transcript NM_006392.4 (MANE Select); coding-DNA position 361, A replaced by G.
Protein change: p.Ile121Val; replaces isoleucine 121 with valine.
Molecular consequence: missense variant. On other transcripts: non-coding transcript variant (2).
Genome position (GRCh38, 1-based): chr20:2,654,566, A>G. VCF-style: chr20-2654566-A-G. GRCh37 (hg19) VCF-style: chr20-2635212-A-G.
Other names: short protein forms I121V.
Identifiers: ClinVar variation 129810 (VCV000129810.7), dbSNP rs2273137, ClinGen allele CA154136.

ClinVar aggregate classification (germline): Benign. Review status: criteria provided, single submitter (1 of 4 stars). 2 submissions from 2 submitters: Benign (1). 1 of the submissions does not count toward it.

Allele frequency attached by ClinVar (database versions not stated): ESP Exome Variant Server 0.07004; gnomAD 0.07282 and 0.07744; TOPMed 0.08082; gnomAD exomes 0.08737 and 0.10712; ExAC 0.10370; 1000 Genomes Project 30x 0.11540; 1000 Genomes Project 0.11841.
gnomAD v4.1: 139,821 of 1,613,908 alleles (8.7%); highest among the groups gnomAD compares: East Asian, 23%; 7,265 homozygotes.

Submissions (2):

Breakthrough Genomics
Classification: Benign. Review status: criteria provided, single submitter. Criteria: ACMG Guidelines, 2015. Collection method: not provided. Allele origin: germline. Inheritance: Autosomal dominant inheritance. Affected: yes.

Genetic Services Laboratory, University of Chicago
Classification: Likely benign for AllHighlyPenetrant. Review status: no assertion criteria provided. Collection method: clinical testing. Allele origin: germline. Inheritance: Autosomal dominant inheritance. Not counted in ClinVar's aggregate classification.
Comment: Likely benign based on allele frequency in 1000 Genomes Project or ESP global frequency and its presence in a patient with a rare or unrelated disease phenotype. NOT Sanger confirmed.